The following is an entry in ClinVar:

NM_020738.4(KIDINS220):c.2540G>A (p.Arg847His)

Gene: KIDINS220 (kinase D interacting substrate 220; minus strand). Cytogenetic location: 2p25.1.
Variant type: single nucleotide variant.
Coding change: c.2540G>A on transcript NM_020738.4 (MANE Select); coding-DNA position 2540, G replaced by A.
Protein change: p.Arg847His; replaces arginine 847 with histidine.
Molecular consequence: missense variant. On other transcripts: non-coding transcript variant (2).
Genome position (GRCh38, 1-based): chr2:8,778,970, C>T on the plus strand (G>A on the coding strand, the complement: KIDINS220 is on the minus strand). VCF-style: chr2-8778970-C-T. GRCh37 (hg19) VCF-style: chr2-8919100-C-T.
Other names: c.2540G>A (NM_020738.2); c.2540G>A, p.Arg847His (NM_001348735.2, NM_001348738.2, NM_001348741.2 and 3 more transcripts); c.2414G>A, p.Arg805His (NM_001348736.2); c.2543G>A, p.Arg848His (NM_001348739.2, NM_001348740.2, NM_001348745.2 and 3 more transcripts); short protein forms R805H, R847H, R848H.
Identifiers: ClinVar variation 2967967 (VCV002967967.4), dbSNP rs756522453, ClinGen allele CA1519953.
Genomic context (GRCh38, chr2:8,778,970, plus strand): 5'-CATGGAACGTCTCCATTTGTTGCTGAAGTTACGAGAAATTTTCTTGCATTGCTTAGTCCA[C>T]GACTATTAAGGAACACAGGCAAGTGGACTATGTTGCGCATGTAGTCATGGCCATTTATAT-3'
Protein context (NP_065789.1, residues 837-857): IVHLPVFLNS[Arg847His]GLSNARKFLV

ClinVar aggregate classification (germline): Uncertain significance. Review status: criteria provided, multiple submitters, no conflicts (2 of 4 stars). 2 submissions from 2 submitters: Uncertain significance (2). Last evaluated 2024-01-16.

Conditions:
Inborn genetic diseases. Identifiers: MedGen C0950123, MeSH D030342.

Allele frequency attached by ClinVar (database versions not stated): ExAC 0.00001; gnomAD exomes 0.00001; TOPMed 0.00001; gnomAD 0.00002.
gnomAD v4.1: 17 of 1,614,110 alleles (0.0011%); highest among the groups gnomAD compares: Middle Eastern, 0.016%; no homozygotes.

Submissions (2):

Ambry Genetics
Classification: Uncertain significance for Inborn genetic diseases. Last evaluated: 2024-01-16. Review status: criteria provided, single submitter. Criteria: Ambry Variant Classification Scheme 2023. Collection method: clinical testing. Allele origin: germline.

Labcorp Genetics (formerly Invitae), Labcorp
Classification: Uncertain significance. Last evaluated: 2023-10-26. Review status: criteria provided, single submitter. Criteria: Invitae Variant Classification Sherloc (09022015). Collection method: clinical testing. Allele origin: germline.
Comment: This sequence change replaces arginine, which is basic and polar, with histidine, which is basic and polar, at codon 847 of the KIDINS220 protein (p.Arg847His). This variant is present in population databases (rs756522453, gnomAD 0.01%). This variant has not been reported in the literature in individuals affected with KIDINS220-related conditions. An algorithm developed to predict the effect of missense changes on protein structure and function (PolyPhen-2) suggests that this variant is likely to be disruptive. In summary, the available evidence is currently insufficient to determine the role of this variant in disease. Therefore, it has been classified as a Variant of Uncertain Significance.